The following is an entry in ClinVar:

NM_006361.6(HOXB13):c.338C>A (p.Thr113Asn)

Gene: HOXB13 (homeobox B13; minus strand). Cytogenetic location: 17q21.32.
Variant type: single nucleotide variant.
Coding change: c.338C>A on transcript NM_006361.6 (MANE Select); coding-DNA position 338, C replaced by A.
Protein change: p.Thr113Asn; replaces threonine 113 with asparagine.
Molecular consequence: missense variant.
Genome position (GRCh38, 1-based): chr17:48,728,256, G>T on the plus strand (C>A on the coding strand, the complement: HOXB13 is on the minus strand). VCF-style: chr17-48728256-G-T. GRCh37 (hg19) VCF-style: chr17-46805618-G-T.
Other names: short protein forms T113N.
Identifiers: ClinVar variation 690715 (VCV000690715.5), dbSNP rs1597934458, ClinGen allele CA400107667.
Genomic context (GRCh38, chr17:48,728,256, plus strand): 5'-TATCCCGGATAGAAGGCAAACTCAGTGGGGCGGCTGGGGTACTCTTCCCCGGCCGTGGGA[G>T]TCTCCGCGGGGTACGCGGCCAGGGTGGCTGCCTGGGCACAGGGTTTCAGCGAGCTCCGGG-3'
Protein context (NP_006352.2, residues 103-123): AATLAAYPAE[Thr113Asn]PTAGEEYPSR

ClinVar aggregate classification (germline): Uncertain significance. Review status: criteria provided, multiple submitters, no conflicts (2 of 4 stars). 3 submissions from 3 submitters: Uncertain significance (2). 1 of the submissions does not count toward it. Last evaluated 2025-02-01.

Conditions:
Hereditary cancer-predisposing syndrome. Also called: Neoplastic Syndromes, Hereditary; Tumor predisposition; Hereditary neoplastic syndrome; Hereditary Cancer Syndrome. Identifiers: Orphanet 140162, MedGen C0027672, MeSH D009386, MONDO:0015356.
Prostate cancer, hereditary, 1 (HPC1). Identifiers: Orphanet 1331, MedGen C4722327, MONDO:0011098, OMIM 601518.

Submissions (3):

Ambry Genetics
Classification: Uncertain significance for Hereditary cancer-predisposing syndrome. Last evaluated: 2025-02-01. Review status: criteria provided, single submitter. Criteria: Ambry Variant Classification Scheme 2023. Collection method: clinical testing. Allele origin: germline.
Comment: The p.T113N variant (also known as c.338C>A), located in coding exon 1 of the HOXB13 gene, results from a C to A substitution at nucleotide position 338. The threonine at codon 113 is replaced by asparagine, an amino acid with similar properties. This amino acid position is conserved. In addition, this alteration is predicted to be tolerated by in silico analysis. Based on the available evidence, the clinical significance of this variant remains unclear.

GeneDx
Classification: Uncertain significance. Last evaluated: 2019-05-24. Review status: criteria provided, single submitter. Criteria: GeneDx Variant Classification Process June 2021. Collection method: clinical testing. Allele origin: germline. Affected: yes.
Comment: Not observed at a significant frequency in large population cohorts (Lek et al., 2016); Has not been previously published as pathogenic or benign to our knowledge

Laboratory of Virology, Microbiology,  Quality and Medical Biotechnologies, Faculty of Sciences and Techniques - Mohammedia, Hassan II University of Casablanca
Classification: Uncertain significance for Prostate cancer, hereditary, 1. Review status: no assertion criteria provided. Collection method: clinical testing. Allele origin: somatic. Affected: yes. Not counted in ClinVar's aggregate classification.